The following is an entry in ClinVar:

ClinVar aggregate classification (germline): Benign (1 of 4 stars; one submission).

Conditions:
Dicarboxylic aminoaciduria (DCBXA). Also called: GLUTAMATE-ASPARTATE TRANSPORT DEFECT. Identifiers: Orphanet 2195, MedGen C1857253, MONDO:0009110, OMIM 222730.

Allele frequency attached by ClinVar (database versions not stated): gnomAD 0.02701 and 0.02887; TOPMed 0.02963; 1000 Genomes Project 0.02975; 1000 Genomes Project 30x 0.03186.

Submission:

Illumina Laboratory Services, Illumina
Classification: Benign for Dicarboxylic aminoaciduria. Last evaluated: 2018-01-13. Review status: criteria provided, single submitter. Criteria: ICSL Variant Classification Criteria 13 December 2019. Collection method: clinical testing. Allele origin: germline.
Comment: This variant was observed in the ICSL laboratory as part of a predisposition screen in an ostensibly healthy population. It had not been previously curated by ICSL or reported in the Human Gene Mutation Database (HGMD: prior to June 1st, 2018), and was therefore a candidate for classification through an automated scoring system. Utilizing variant allele frequency, disease prevalence and penetrance estimates, and inheritance mode, an automated score was calculated to assess if this variant is too frequent to cause the disease. Based on the score and internal cut-off values, a variant classified as benign is not then subjected to further curation. The score for this variant resulted in a classification of benign for this disease.

NM_004170.6(SLC1A1):c.*1603A>G

Gene: SLC1A1 (solute carrier family 1 member 1; plus strand). Cytogenetic location: 9p24.2.
Variant type: single nucleotide variant.
Coding change: c.*1603A>G on transcript NM_004170.6 (MANE Select); 1603 bases downstream of the stop codon, A replaced by G.
Molecular consequence: 3 prime UTR variant.
Genome position (GRCh38, 1-based): chr9:4,587,161, A>G. VCF-style: chr9-4587161-A-G. GRCh37 (hg19) VCF-style: chr9-4587161-A-G.
Identifiers: ClinVar variation 367092 (VCV000367092.5), dbSNP rs1051835, ClinGen allele CA10627456.
Genomic context (GRCh38, chr9:4,587,161, plus strand): 5'-AGTAGATAAGTGCTCAGTATTGACGACCTACATCTGAAATCTACAACATAATGATACTGA[A>G]TTGTTATGTAAACATCATAAATAGTAAATAATGATTCAATGTGAATTTTAAAATGCAAAT-3'